The following is an entry in ClinVar:

ClinVar aggregate classification (germline): Uncertain significance (1 of 4 stars; one submission).

Conditions:
Hereditary cancer-predisposing syndrome. Also called: Neoplastic Syndromes, Hereditary; Tumor predisposition; Hereditary neoplastic syndrome; Hereditary Cancer Syndrome. Identifiers: Orphanet 140162, MedGen C0027672, MeSH D009386, MONDO:0015356.

Submission:

Ambry Genetics
Classification: Uncertain significance for Hereditary cancer-predisposing syndrome. Last evaluated: 2024-06-13. Review status: criteria provided, single submitter. Criteria: Ambry Variant Classification Scheme 2023. Collection method: clinical testing. Allele origin: germline.
Comment: The p.I489V variant (also known as c.1465A>G), located in coding exon 13 of the TSC1 gene, results from an A to G substitution at nucleotide position 1465. The isoleucine at codon 489 is replaced by valine, an amino acid with highly similar properties. This amino acid position is conserved. In addition, the in silico prediction for this alteration is inconclusive. Based on the available evidence, the clinical significance of this variant remains unclear.

NM_000368.5(TSC1):c.1465A>G (p.Ile489Val)

Gene: TSC1 (TSC complex subunit 1; minus strand). Cytogenetic location: 9q34.13.
Variant type: single nucleotide variant.
Coding change: c.1465A>G on transcript NM_000368.5 (MANE Select); coding-DNA position 1465, A replaced by G.
Protein change: p.Ile489Val; replaces isoleucine 489 with valine.
Molecular consequence: missense variant. On other transcripts: non-coding transcript variant (5).
Genome position (GRCh38, 1-based): chr9:132,906,113, T>C on the plus strand (A>G on the coding strand, the complement: TSC1 is on the minus strand). VCF-style: chr9-132906113-T-C. GRCh37 (hg19) VCF-style: chr9-135781500-T-C.
Other names: c.511A>G, p.Ile171Val (NM_001406628.1, NM_001406627.1); c.412A>G, p.Ile138Val (NM_001406629.1, NM_001406630.1); c.1462A>G, p.Ile488Val (NM_001406609.1, NM_001162426.2, NM_001406598.1 and 6 more transcripts); c.1312A>G, p.Ile438Val (NM_001406610.1, NM_001162427.2); c.1309A>G, p.Ile437Val (NM_001406611.1, NM_001406612.1, NM_001406613.1); c.1102A>G, p.Ile368Val (NM_001406614.1, NM_001406615.1, NM_001406616.1 and 5 more transcripts); c.1465A>G, p.Ile489Val (NM_001406601.1, NM_001406602.1, NM_001406605.1 and 7 more transcripts); c.1099A>G, p.Ile367Val (NM_001406620.1, NM_001406621.1, NM_001406622.1 and 2 more transcripts); and 1 more; short protein forms I172V, I368V, I438V, I488V, I489V, I138V, I367V, I171V.
Identifiers: ClinVar variation 3329454 (VCV003329454.1).